The following is an entry in ClinVar:

NM_031407.7(HUWE1):c.5168C>T (p.Pro1723Leu)

Gene: HUWE1 (HECT, UBA and WWE domain containing E3 ubiquitin protein ligase 1; minus strand). Cytogenetic location: Xp11.22.
Variant type: single nucleotide variant.
Coding change: c.5168C>T on transcript NM_031407.7 (MANE Select); coding-DNA position 5168, C replaced by T.
Protein change: p.Pro1723Leu; replaces proline 1723 with leucine.
Molecular consequence: missense variant.
Genome position (GRCh38, 1-based): chrX:53,583,910, G>A on the plus strand (C>T on the coding strand, the complement: HUWE1 is on the minus strand). VCF-style: chrX-53583910-G-A. GRCh37 (hg19) VCF-style: chrX-53610870-G-A.
Other names: short protein forms P1723L.
Identifiers: ClinVar variation 1745759 (VCV001745759.24), dbSNP rs1556970545, ClinGen allele CA413174443.

ClinVar aggregate classification (germline): Conflicting classifications of pathogenicity. Review status: criteria provided, conflicting classifications (1 of 4 stars). 2 submissions from 2 submitters: Uncertain significance (1); Likely benign (1). Last evaluated 2026-04-01.

Conditions:
Inborn genetic diseases. Identifiers: MedGen C0950123, MeSH D030342.

Allele frequency attached by ClinVar (database versions not stated): TOPMed 0.00001; gnomAD exomes 0.00002.
gnomAD v4.1: 16 of 1,183,421 alleles (0.0014%); highest among the groups gnomAD compares: Non-Finnish European, 0.0018%; no homozygotes.

Submissions (2):

CeGaT Center for Human Genetics Tuebingen
Classification: Likely benign. Last evaluated: 2026-04-01. Review status: criteria provided, single submitter. Criteria: CeGaT Center For Human Genetics Tuebingen Variant Classification Criteria Version 2. Collection method: clinical testing. Allele origin: germline. Affected: yes. Observed: 2 variant alleles.
Comment: HUWE1: BP4, BS2

Ambry Genetics
Classification: Uncertain significance for Inborn genetic diseases. Last evaluated: 2017-07-11. Review status: criteria provided, single submitter. Criteria: Ambry Variant Classification Scheme 2023. Collection method: clinical testing. Allele origin: germline.
Comment: The p.P1723L variant (also known as c.5168C>T), located in coding exon 39 of the HUWE1 gene, results from a C to T substitution at nucleotide position 5168. The proline at codon 1723 is replaced by leucine, an amino acid with similar properties. This amino acid position is well conserved in available vertebrate species. In addition, this alteration is predicted to be tolerated by in silico analysis. Since supporting evidence is limited at this time, the clinical significance of this alteration remains unclear.